The following is an entry in ClinVar:

NM_024408.4(NOTCH2):c.3220A>C (p.Asn1074His)

Gene: NOTCH2 (notch receptor 2; minus strand). Cytogenetic location: 1p12.
Variant type: single nucleotide variant.
Coding change: c.3220A>C on transcript NM_024408.4 (MANE Select); coding-DNA position 3220, A replaced by C.
Protein change: p.Asn1074His; replaces asparagine 1074 with histidine.
Molecular consequence: missense variant.
Genome position (GRCh38, 1-based): chr1:119,937,974, T>G on the plus strand (A>C on the coding strand, the complement: NOTCH2 is on the minus strand). VCF-style: chr1-119937974-T-G. GRCh37 (hg19) VCF-style: chr1-120480597-T-G.
Other names: c.3220A>C, p.Asn1074His (NM_001200001.2); short protein forms N1074H.
Identifiers: ClinVar variation 2753255 (VCV002753255.3), dbSNP rs2526193165, ClinGen allele CA341852966.
Genomic context (GRCh38, chr1:119,937,974, plus strand): 5'-CCCATCCAGATGGACATAGGCACTGGGACTCTGCTTTTTTCTGAACGCAAGTACCTTTGT[T>G]TTTACATGGAGACCGACTGCAGAGATTCACCAGGGTCTGAAACAGAGGCAGGGGTGTACA-3'
Protein context (NP_077719.2, residues 1064-1084): VNLCSRSPCK[Asn1074His]KGTCVQKKAE

ClinVar aggregate classification (germline): Uncertain significance (1 of 4 stars; one submission).

Conditions:
Hajdu-Cheney syndrome (HJCYS). Also called: ACROOSTEOLYSIS WITH OSTEOPOROSIS AND CHANGES IN SKULL AND MANDIBLE; Acroosteolysis dominant type; SERPENTINE FIBULA-POLYCYSTIC KIDNEY SYNDROME. Identifiers: Orphanet 955, MedGen C0917715, MONDO:0007057, OMIM 102500.

Submission:

Labcorp Genetics (formerly Invitae), Labcorp
Classification: Uncertain significance for Hajdu-Cheney syndrome. Last evaluated: 2023-08-17. Review status: criteria provided, single submitter. Criteria: Invitae Variant Classification Sherloc (09022015). Collection method: clinical testing. Allele origin: germline.
Comment: In summary, the available evidence is currently insufficient to determine the role of this variant in disease. Therefore, it has been classified as a Variant of Uncertain Significance. Advanced modeling of protein sequence and biophysical properties (such as structural, functional, and spatial information, amino acid conservation, physicochemical variation, residue mobility, and thermodynamic stability) has been performed at Invitae for this missense variant, however the output from this modeling did not meet the statistical confidence thresholds required to predict the impact of this variant on NOTCH2 protein function. This variant has not been reported in the literature in individuals affected with NOTCH2-related conditions. This variant is not present in population databases (gnomAD no frequency). This sequence change replaces asparagine, which is neutral and polar, with histidine, which is basic and polar, at codon 1074 of the NOTCH2 protein (p.Asn1074His).